The following is an entry in ClinVar:

NM_181776.3(SLC36A2):c.1229T>C (p.Val410Ala)

Gene: SLC36A2 (solute carrier family 36 member 2; minus strand). Cytogenetic location: 5q33.1.
Variant type: single nucleotide variant.
Coding change: c.1229T>C on transcript NM_181776.3 (MANE Select); coding-DNA position 1229, T replaced by C.
Protein change: p.Val410Ala; replaces valine 410 with alanine.
Molecular consequence: missense variant.
Genome position (GRCh38, 1-based): chr5:151,317,040, A>G on the plus strand (T>C on the coding strand, the complement: SLC36A2 is on the minus strand). VCF-style: chr5-151317040-A-G. GRCh37 (hg19) VCF-style: chr5-150696601-A-G.
Other names: short protein forms V410A.
Identifiers: ClinVar variation 2512852 (VCV002512852.6), dbSNP rs200334307, ClinGen allele CA3518586.

ClinVar aggregate classification (germline): Uncertain significance. Review status: criteria provided, multiple submitters, no conflicts (2 of 4 stars). 2 submissions from 2 submitters: Uncertain significance (2). Last evaluated 2025-06-19.

Allele frequency attached by ClinVar (database versions not stated): ExAC 0.00007; gnomAD 0.00007.
gnomAD v4.1: 171 of 1,613,996 alleles (0.011%); highest among the groups gnomAD compares: Non-Finnish European, 0.013%; no homozygotes.

Submissions (2):

Ambry Genetics
Classification: Uncertain significance. Last evaluated: 2025-06-19. Review status: criteria provided, single submitter. Criteria: Ambry Variant Classification Scheme 2023. Collection method: clinical testing. Allele origin: germline.

Labcorp Genetics (formerly Invitae), Labcorp
Classification: Uncertain significance. Last evaluated: 2023-06-09. Review status: criteria provided, single submitter. Criteria: Invitae Variant Classification Sherloc (09022015). Collection method: clinical testing. Allele origin: germline.
Comment: In summary, the available evidence is currently insufficient to determine the role of this variant in disease. Therefore, it has been classified as a Variant of Uncertain Significance. Advanced modeling of protein sequence and biophysical properties (such as structural, functional, and spatial information, amino acid conservation, physicochemical variation, residue mobility, and thermodynamic stability) performed at Invitae indicates that this missense variant is not expected to disrupt SLC36A2 protein function. This variant has not been reported in the literature in individuals affected with SLC36A2-related conditions. This variant is present in population databases (rs200334307, gnomAD 0.01%). This sequence change replaces valine, which is neutral and non-polar, with alanine, which is neutral and non-polar, at codon 410 of the SLC36A2 protein (p.Val410Ala).